The following is an entry in ClinVar:

ClinVar aggregate classification (germline): Uncertain significance (1 of 4 stars; one submission).

Conditions:
Autoimmune interstitial lung disease-arthritis syndrome. Also called: Autoinflammation and autoimmunity, systemic, with immune dysregulation. Identifiers: Orphanet 444092, MedGen C5975714, MONDO:0014629.

Submission:

Labcorp Genetics (formerly Invitae), Labcorp
Classification: Uncertain significance for Autoimmune interstitial lung disease-arthritis syndrome. Last evaluated: 2022-07-11. Review status: criteria provided, single submitter. Criteria: Invitae Variant Classification Sherloc (09022015). Collection method: clinical testing. Allele origin: germline.
Comment: In summary, the available evidence is currently insufficient to determine the role of this variant in disease. Therefore, it has been classified as a Variant of Uncertain Significance. This sequence change replaces valine, which is neutral and non-polar, with aspartic acid, which is acidic and polar, at codon 296 of the COPA protein (p.Val296Asp). This variant is not present in population databases (gnomAD no frequency). This variant has not been reported in the literature in individuals affected with COPA-related conditions. ClinVar contains an entry for this variant (Variation ID: 1462362). Algorithms developed to predict the effect of missense changes on protein structure and function are either unavailable or do not agree on the potential impact of this missense change (SIFT: "Deleterious"; PolyPhen-2: "Possibly Damaging"; Align-GVGD: "Class C15").

NM_004371.4(COPA):c.887T>A (p.Val296Asp)

Gene: COPA (coat protein complex I subunit alpha; minus strand). Cytogenetic location: 1q23.2.
Variant type: single nucleotide variant.
Coding change: c.887T>A on transcript NM_004371.4 (MANE Select); coding-DNA position 887, T replaced by A.
Protein change: p.Val296Asp; replaces valine 296 with aspartic acid.
Molecular consequence: missense variant.
Genome position (GRCh38, 1-based): chr1:160,313,123, A>T on the plus strand (T>A on the coding strand, the complement: COPA is on the minus strand). VCF-style: chr1-160313123-A-T. GRCh37 (hg19) VCF-style: chr1-160282913-A-T.
Other names: c.887T>A, p.Val296Asp (NM_001098398.2); short protein forms V296D.
Identifiers: ClinVar variation 1462362 (VCV001462362.8), dbSNP rs2101845935, ClinGen allele CA343262382.
Genomic context (GRCh38, chr1:160,313,123, plus strand): 5'-AAAGAGAGAAAATGGCCCTTACCTGCTGCAAAGAGGTTAAGGTTAGGGTGAGCAGCTAGG[A>T]CCCAGAAACGATCATGGTCTCTGCGGAAAGTCTGAACCCCAGTCCTAGAAAAGGTACACA-3'
Protein context (NP_004362.2, residues 286-306): TFRRDHDRFW[Val296Asp]LAAHPNLNLF